The following is an entry in ClinVar:

NM_020975.6(RET):c.1182C>T (p.Asn394=)

Gene: RET (ret proto-oncogene; plus strand). Cytogenetic location: 10q11.21.
Variant type: single nucleotide variant.
Coding change: c.1182C>T on transcript NM_020975.6 (MANE Select); coding-DNA position 1182, C replaced by T.
Protein change: p.Asn394=; no amino-acid change (asparagine 394 retained).
Molecular consequence: synonymous variant. On other transcripts: intron variant (18).
Genome position (GRCh38, 1-based): chr10:43,109,149, C>T. VCF-style: chr10-43109149-C-T. GRCh37 (hg19) VCF-style: chr10-43604597-C-T.
Other names: c.1182C>T, p.Asn394= (NM_000323.2, NM_001406743.1, NM_001406744.1 and 6 more transcripts); c.420C>T, p.Asn140= (NM_001355216.2); c.1053C>T, p.Asn351= (NM_001406761.1, NM_001406762.1, NM_001406764.1 and 1 more transcripts); c.894C>T, p.Asn298= (NM_001406766.1, NM_001406767.1, NM_001406770.1); c.744C>T, p.Asn248= (NM_001406771.1, NM_001406773.1); c.456C>T, p.Asn152= (NM_001406775.1, NM_001406776.1, NM_001406777.1 and 1 more transcripts); c.192C>T, p.Asn64= (NM_001406784.1); c.868-2058C>T (NM_001406772.1, NM_001406769.1); and 5 more.
Identifiers: ClinVar variation 136096 (VCV000136096.30), dbSNP rs376465385, ClinGen allele CA007475.
Genomic context (GRCh38, chr10:43,109,149, plus strand): 5'-GCTGGTCAATGACTCAGACTTCCAGGGCCCAGGAGCGGGCGTCCTCTTGCTCCACTTCAA[C>T]GTGTCGGTGCTGCCGGTCAGCCTGCACCTGCCCAGTACCTACTCCCTCTCCGTGAGCAGG-3'
Protein context (NP_066124.1, residues 384-404): PGAGVLLLHF[Asn394=]VSVLPVSLHL

ClinVar aggregate classification (germline): Likely benign. Review status: criteria provided, multiple submitters, no conflicts (2 of 4 stars). 9 submissions from 8 submitters: Likely benign (7). 2 of the submissions do not count toward it. Last evaluated 2026-01-30.

Conditions:
Pheochromocytoma. Also called: MAX-Related Hereditary Paraganglioma-Pheochromocytoma Syndrome. Identifiers: Orphanet 29072, MedGen C0031511, MONDO:0008233, OMIM 171300, HP:0002666.
Hirschsprung disease, susceptibility to, 1 (HSCR1). Also called: RET-Related Hirschsprung Disease. Identifiers: Orphanet 388, MedGen C3888239, MONDO:0007723, OMIM 142623.
Familial medullary thyroid carcinoma (MTC). Also called: Thyroid cancer, familial medullary; MTC, familial; Familial Medullary Thyroid Carcinoma (FMTC). Identifiers: Orphanet 653, Orphanet 99361, MedGen C1833921, MONDO:0007958, OMIM 155240.
Multiple endocrine neoplasia type 2B. Also called: MEN IIB; NEUROMATA, MUCOSAL, WITH ENDOCRINE TUMORS; WAGENMANN-FROBOESE SYNDROME; MULTIPLE ENDOCRINE NEOPLASIA, TYPE III; MULTIPLE ENDOCRINE NEOPLASIA, TYPE IIB; MEN 2B. Identifiers: Orphanet 247709, Orphanet 653, MedGen C0025269, MeSH D018814, MONDO:0008082, OMIM 162300.
Multiple endocrine neoplasia type 2A. Also called: Multiple Endocrine Neoplasia Type 2A (MEN2A); MULTIPLE ENDOCRINE NEOPLASIA, TYPE IIA; PTC SYNDROME; SIPPLE SYNDROME; MEN 2A; MEN-2A syndrome. Identifiers: Orphanet 247698, Orphanet 653, MedGen C0025268, MeSH D018813, MONDO:0008234, OMIM 171400.
Hereditary cancer-predisposing syndrome. Also called: Tumor predisposition; Hereditary neoplastic syndrome; Hereditary Cancer Syndrome; Neoplastic Syndromes, Hereditary. Identifiers: Orphanet 140162, MedGen C0027672, MeSH D009386, MONDO:0015356.
Multiple endocrine neoplasia, type 2 (MEN2). Identifiers: Orphanet 653, MedGen C4048306, MONDO:0019003. Disease mechanism: gain of function.

Allele frequency attached by ClinVar (database versions not stated): gnomAD exomes 0.00003 and 0.00004; ExAC 0.00005; gnomAD 0.00007 and 0.00009; ESP Exome Variant Server 0.00008; TOPMed 0.00011.
gnomAD v4.1: 67 of 1,613,780 alleles (0.0042%); highest among the groups gnomAD compares: Admixed American, 0.02%; no homozygotes.

Submissions (9):

Labcorp Genetics (formerly Invitae), Labcorp
Classification: Likely benign for Multiple endocrine neoplasia, type 2. Last evaluated: 2026-01-30. Review status: criteria provided, single submitter. Criteria: Invitae Variant Classification Sherloc (09022015). Collection method: clinical testing. Allele origin: germline.

CeGaT Center for Human Genetics Tuebingen
Classification: Likely benign. Last evaluated: 2025-09-01. Review status: criteria provided, single submitter. Criteria: CeGaT Center For Human Genetics Tuebingen Variant Classification Criteria Version 2. Collection method: clinical testing. Allele origin: germline. Affected: yes. Observed: 1 variant allele.
Comment: RET: BP4, BP7

Blueprint Genetics
Classification: Likely benign. Last evaluated: 2024-06-19. Review status: criteria provided, single submitter. Criteria: ACMG Guidelines, 2015. Collection method: clinical testing. Allele origin: germline.

All of Us Research Program, National Institutes of Health
Classification: Likely benign for Multiple endocrine neoplasia, type 2. Last evaluated: 2024-01-03. Review status: criteria provided, single submitter. Criteria: ACMG Guidelines, 2015. Collection method: clinical testing. Allele origin: germline. Inheritance: Autosomal dominant inheritance. Observed: 13 variant alleles, 13 heterozygotes.
Comment: This study involves interpretation of variants in research participants for the purpose of population health screening. Participant phenotype was not available at the time of variant classification. Additional details can be found in publication PMID: 35346344, PMCID: PMC8962531

Color Diagnostics, LLC DBA Color Health
Classification: Likely benign for Multiple endocrine neoplasia, type 2. Last evaluated: 2022-11-06. Review status: criteria provided, single submitter. Criteria: ACMG Guidelines, 2015. Collection method: clinical testing. Allele origin: germline.

Fulgent Genetics
Classification: Likely benign for Hirschsprung disease, susceptibility to, 1; Familial medullary thyroid carcinoma; Multiple endocrine neoplasia type 2B; Pheochromocytoma; Multiple endocrine neoplasia type 2A. Last evaluated: 2021-08-18. Review status: criteria provided, single submitter. Criteria: ACMG Guidelines, 2015. Collection method: clinical testing. Allele origin: unknown.

Ambry Genetics
Classification: Likely benign for Hereditary cancer-predisposing syndrome. Last evaluated: 2015-09-06. Review status: criteria provided, single submitter. Criteria: Ambry Variant Classification Scheme 2023. Collection method: clinical testing. Allele origin: germline.

Counsyl
Classification: Likely benign for Multiple endocrine neoplasia type 2B. Last evaluated: 2016-08-30. Review status: no assertion criteria provided. Collection method: clinical testing. Allele origin: unknown. Not counted in ClinVar's aggregate classification.

Counsyl
Classification: Likely benign for Multiple endocrine neoplasia type 2A. Last evaluated: 2016-08-30. Review status: no assertion criteria provided. Collection method: clinical testing. Allele origin: unknown. Not counted in ClinVar's aggregate classification.